The following is an entry in ClinVar:

NM_001492.6(GDF1):c.91_98dup (p.Gly34fs)

Genes: CERS1 (ceramide synthase 1; minus strand), GDF1 (growth differentiation factor 1; minus strand). Cytogenetic location: 19p13.11.
Variant type: Duplication.
Coding change: c.91_98dup on transcript NM_001492.6 (MANE Select); coding-DNA positions 91 to 98, 8 bases duplicated (GTGCCCCC; older notation c.91_98dupGTGCCCCC).
Protein change: p.Gly34fs; shifts the reading frame from glycine 34.
Molecular consequence: frameshift variant. On other transcripts: 3 prime UTR variant (2).
Genome position (GRCh38, 1-based): chr19:18,870,210-18,870,217, GGGGGCAC duplicated on the plus strand (GTGCCCCC on the coding strand, the reverse complement: GDF1 is on the minus strand); duplicating any 8 consecutive bases within chr19:18,870,210-18,870,223 gives the same sequence; the c. name uses the placement nearest the transcript's 3' end. VCF-style (leftmost placement, unchanged base first): chr19-18870209-T-TGGGGGCAC. GRCh37 (hg19) VCF-style: chr19-18981018-T-TGGGGGCAC.
Other names: c.*360_*367dup (NM_001387440.1, NM_021267.5); c.91_98dup, p.Gly34fs (NM_001387438.1); short protein forms G34fs.
Identifiers: ClinVar variation 3377285 (VCV003377285.1).

ClinVar aggregate classification (germline): Likely pathogenic (1 of 4 stars; one submission).

Conditions:
Right atrial isomerism (RAI). Also called: IVEMARK SYNDROME. Identifiers: Orphanet 97548, MedGen C3178806, MONDO:0008832, OMIM 208530, HP:0011536.

Submission:

Victorian Clinical Genetics Services, Murdoch Childrens Research Institute
Classification: Likely pathogenic for Right atrial isomerism. Last evaluated: 2024-10-08. Review status: criteria provided, single submitter. Criteria: ACMG Guidelines, 2015. Collection method: clinical testing. Allele origin: germline. Inheritance: Autosomal recessive inheritance. Affected: yes.
Comment: Based on the classification scheme VCGS_Germline_v1.3.4, this variant is classified as Likely pathogenic. Following criteria are met: 0102 - Loss of function is a known mechanism of disease in this gene and is associated with congenital heart defects, multiple types, 6 (MIM#613854) and right atrial isomerism (Ivemark) (MIM#208530). (I) 0108 - This gene is associated with both recessive and dominant disease (OMIM). There is no clear association between variant type and disease inheritance pattern (PMID: 32144877). Majority of the premature termination variants reported are associated with autosomal recessive inheritance, however one of them was also reported for autosomal dominant inheritance (PMIDs: 32144877, 33131162). (I) 0201 - Variant is predicted to cause nonsense-mediated decay (NMD) and loss of protein (premature termination codon is located at least 54 nucleotides upstream of the final exon-exon junction). (SP) 0251 - This variant is heterozygous. (I) 0304 - Variant is present in gnomAD <0.01 (v3: 2 heterozygotes, 0 homozygotes). (SP) 0708 - Other premature termination variants comparable to the one identified in this case have conflicting previous evidence for pathogenicity. p.(Trp63*) and p.(Val31Argfs*15) have been reported as likely pathogenic and VUS, respectively (ClinVar). (I) 0807 - This variant has no previous evidence of pathogenicity. (I) 0905 - No published segregation evidence has been identified for this variant. (I) 1007 - No published functional evidence has been identified for this variant. (I) Legend: (SP) - Supporting pathogenic, (I) - Information, (SB) - Supporting benign

Literature cited by the submitters: PubMed 32144877; PubMed 33131162.